The following is an entry in ClinVar:

ClinVar aggregate classification (germline): Likely pathogenic (1 of 4 stars; one submission).

Conditions:
Cerebroretinal microangiopathy with calcifications and cysts 1 (CRMCC1). Identifiers: Orphanet 313838, MedGen C4552029, MONDO:0024564, OMIM 612199.

Submission:

Neuberg Centre For Genomic Medicine, NCGM
Classification: Likely pathogenic for Cerebroretinal microangiopathy with calcifications and cysts 1. Review status: criteria provided, single submitter. Criteria: ACMG Guidelines, 2015. Collection method: clinical testing. Allele origin: germline. Inheritance: Autosomal recessive inheritance. Affected: yes.
Comment: The observed frameshift variant c.2282_2283insA(p.Ser762GlnfsTer29) in CTC1 gene has not been reported previously as a pathogenic variant nor as a benign variant, to our knowledge. The c.2282_2283insA variant is absent in gnomAD Exomes. This variant causes a frameshift starting with codon Serine 762, changes this amino acid to Glutamine residue, and creates a premature Stop codon at position 29 of the new reading frame, denoted p.Ser762GlnfsTer29. This variant is predicted to cause loss of normal protein function through protein truncation. Loss of function variants have been previously reported to be disease causing (Polvi A, et al., 2012).For these reasons, this variant has been classified as Likely Pathogenic.

NM_025099.6(CTC1):c.2282_2283insA (p.Ser762fs)

Gene: CTC1 (CST telomere replication complex component 1; minus strand). Cytogenetic location: 17p13.1.
Variant type: Insertion.
Coding change: c.2282_2283insA on transcript NM_025099.6 (MANE Select); coding-DNA positions 2282 to 2283, A inserted.
Protein change: p.Ser762fs; shifts the reading frame from serine 762.
Molecular consequence: frameshift variant. On other transcripts: non-coding transcript variant (1).
Genome position: GRCh38 VCF-style: chr17-8232005-G-GT. GRCh37 (hg19) VCF-style: chr17-8135323-G-GT.
Other names: c.2282_2283insA, p.Ser762fs (NM_001411067.1); short protein forms S762fs.
Identifiers: ClinVar variation 3242119 (VCV003242119.1), dbSNP rs2507897028.